The following is an entry in ClinVar:

ClinVar aggregate classification (germline): Uncertain significance. Review status: criteria provided, multiple submitters, no conflicts (2 of 4 stars). 2 submissions from 2 submitters: Uncertain significance (2). Last evaluated 2026-01-04.

Conditions:
Hereditary cancer-predisposing syndrome. Also called: Hereditary Cancer Syndrome; Tumor predisposition; Neoplastic Syndromes, Hereditary; Hereditary neoplastic syndrome. Identifiers: Orphanet 140162, MedGen C0027672, MeSH D009386, MONDO:0015356.
Hereditary nonpolyposis colorectal neoplasms. Identifiers: MedGen C0009405, MeSH D003123.

gnomAD v4.1: 1 of 1,614,138 alleles (0.000062%); highest among the groups gnomAD compares: Admixed American, 0.0017%; no homozygotes.

Submissions (2):

Labcorp Genetics (formerly Invitae), Labcorp
Classification: Uncertain significance for Hereditary nonpolyposis colorectal neoplasms. Last evaluated: 2026-01-04. Review status: criteria provided, single submitter. Criteria: Invitae Variant Classification Sherloc (09022015). Collection method: clinical testing. Allele origin: germline.
Comment: This sequence change replaces glycine, which is neutral and non-polar, with arginine, which is basic and polar, at codon 505 of the PMS2 protein (p.Gly505Arg). This variant is not present in population databases (gnomAD no frequency). This variant has not been reported in the literature in individuals affected with PMS2-related conditions. ClinVar contains an entry for this variant (Variation ID: 862677). Invitae Evidence Modeling incorporating data from in vitro experimental studies (internal data) indicates that this missense variant is not expected to disrupt PMS2 function with a negative predictive value of 95%. In summary, the available evidence is currently insufficient to determine the role of this variant in disease. Therefore, it has been classified as a Variant of Uncertain Significance.

Ambry Genetics
Classification: Uncertain significance for Hereditary cancer-predisposing syndrome. Last evaluated: 2023-12-21. Review status: criteria provided, single submitter. Criteria: Ambry Variant Classification Scheme 2023. Collection method: clinical testing. Allele origin: germline.
Comment: The p.G505R variant (also known as c.1513G>A), located in coding exon 11 of the PMS2 gene, results from a G to A substitution at nucleotide position 1513. The glycine at codon 505 is replaced by arginine, an amino acid with dissimilar properties. This amino acid position is conserved. In addition, the in silico prediction for this alteration is inconclusive. Since supporting evidence is limited at this time, the clinical significance of this alteration remains unclear.

NM_000535.7(PMS2):c.1513G>A (p.Gly505Arg)

Gene: PMS2 (PMS1 homolog 2, mismatch repair system component; minus strand). Cytogenetic location: 7p22.1.
Variant type: single nucleotide variant.
Coding change: c.1513G>A on transcript NM_000535.7 (MANE Select); coding-DNA position 1513, G replaced by A.
Protein change: p.Gly505Arg; replaces glycine 505 with arginine.
Molecular consequence: missense variant. On other transcripts: non-coding transcript variant (1).
Genome position (GRCh38, 1-based): chr7:5,987,252, C>T on the plus strand (G>A on the coding strand, the complement: PMS2 is on the minus strand). VCF-style: chr7-5987252-C-T. GRCh37 (hg19) VCF-style: chr7-6026883-C-T.
Other names: c.1108G>A, p.Gly370Arg (NM_001322003.2, NM_001322004.2, NM_001322005.2 and 1 more transcripts); c.1357G>A, p.Gly453Arg (NM_001322006.2); c.1195G>A, p.Gly399Arg (NM_001322007.2, NM_001322008.2); c.952G>A, p.Gly318Arg (NM_001322010.2); c.580G>A, p.Gly194Arg (NM_001322011.2, NM_001322012.2); c.940G>A, p.Gly314Arg (NM_001322013.2); c.1513G>A, p.Gly505Arg (NM_001322014.2); c.1204G>A, p.Gly402Arg (NM_001322015.2); short protein forms G194R, G399R, G318R, G370R, G402R, G453R, G314R, G505R.
Identifiers: ClinVar variation 862677 (VCV000862677.10), dbSNP rs1554297662, ClinGen allele CA366741717.
Genomic context (GRCh38, chr7:5,987,252, plus strand): 5'-CTGGGGAGCTGGCCGCATACTCGCTGCTGCAGTGACTGCCCGTGTCTGGGATGCTGAACC[C>T]CTCAGAATCCACGGAAGTGCTGCCGTGCCCCGAGTCCTTCTCCACCTCCGCTCTGTCCGT-3'
Protein context (NP_000526.2, residues 495-515): GHGSTSVDSE[Gly505Arg]FSIPDTGSHC